The following is an entry in ClinVar:

ClinVar aggregate classification (germline): Pathogenic (1 of 4 stars; one submission).

Allele frequency attached by ClinVar (database versions not stated): gnomAD exomes below 0.00001; ExAC 0.00001.
gnomAD v4.1: 3 of 1,613,134 alleles (0.00019%); highest among the groups gnomAD compares: South Asian, 0.0022%; no homozygotes.

Submission:

Labcorp Genetics (formerly Invitae), Labcorp
Classification: Pathogenic. Last evaluated: 2025-06-09. Review status: criteria provided, single submitter. Criteria: Invitae Variant Classification Sherloc (09022015). Collection method: clinical testing. Allele origin: germline.
Comment: This sequence change creates a premature translational stop signal (p.Arg563*) in the ERCC6L2 gene. It is expected to result in an absent or disrupted protein product. Loss-of-function variants in ERCC6L2 are known to be pathogenic (PMID: 24507776, 27185855, 29146883, 29987015). This variant is present in population databases (rs770250664, gnomAD 0.003%). This premature translational stop signal has been observed in individual(s) with ERCC6L2 deficiency (PMID: 29633571). ClinVar contains an entry for this variant (Variation ID: 1353805). For these reasons, this variant has been classified as Pathogenic.

Literature cited by the submitters: PubMed 24507776; PubMed 27185855; PubMed 29146883; PubMed 29987015; PubMed 29633571.

NM_020207.7(ERCC6L2):c.1654C>T (p.Arg552Ter)

Gene: ERCC6L2 (ERCC excision repair 6 like 2; plus strand). Cytogenetic location: 9q22.32.
Variant type: single nucleotide variant.
Coding change: c.1654C>T on transcript NM_020207.7 (MANE Select); coding-DNA position 1654, C replaced by T.
Protein change: p.Arg552Ter; replaces arginine 552 with a stop codon.
Molecular consequence: nonsense. On other transcripts: non-coding transcript variant (1).
Genome position (GRCh38, 1-based): chr9:95,928,767, C>T. VCF-style: chr9-95928767-C-T. GRCh37 (hg19) VCF-style: chr9-98691049-C-T.
Other names: c.1654C>T, p.Arg552Ter (NM_001010895.4, NM_001375291.1, NM_001375292.1 and 2 more transcripts); short protein forms R552*.
Identifiers: ClinVar variation 1353805 (VCV001353805.8), dbSNP rs770250664, ClinGen allele CA5139644.